The following is an entry in ClinVar:

ClinVar aggregate classification (germline): Uncertain significance. Review status: criteria provided, multiple submitters, no conflicts (2 of 4 stars). 2 submissions from 2 submitters: Uncertain significance (2). Last evaluated 2024-04-14.

Conditions:
Inborn genetic diseases. Identifiers: MedGen C0950123, MeSH D030342.

gnomAD v4.1: 6 of 1,613,986 alleles (0.00037%); highest among the groups gnomAD compares: Admixed American, 0.0083%; no homozygotes.

Submissions (2):

Labcorp Genetics (formerly Invitae), Labcorp
Classification: Uncertain significance. Last evaluated: 2024-04-14. Review status: criteria provided, single submitter. Criteria: Invitae Variant Classification Sherloc (09022015). Collection method: clinical testing. Allele origin: germline.
Comment: This sequence change replaces asparagine, which is neutral and polar, with threonine, which is neutral and polar, at codon 4395 of the USH2A protein (p.Asn4395Thr). This variant is not present in population databases (gnomAD no frequency). This variant has not been reported in the literature in individuals affected with USH2A-related conditions. Advanced modeling of protein sequence and biophysical properties (such as structural, functional, and spatial information, amino acid conservation, physicochemical variation, residue mobility, and thermodynamic stability) performed at Invitae indicates that this missense variant is not expected to disrupt USH2A protein function with a negative predictive value of 95%. In summary, the available evidence is currently insufficient to determine the role of this variant in disease. Therefore, it has been classified as a Variant of Uncertain Significance.

Ambry Genetics
Classification: Uncertain significance for Inborn genetic diseases. Last evaluated: 2024-03-15. Review status: criteria provided, single submitter. Criteria: Ambry Variant Classification Scheme 2023. Collection method: clinical testing. Allele origin: germline.

NM_206933.4(USH2A):c.13184A>C (p.Asn4395Thr)

Gene: USH2A (usherin; minus strand). Cytogenetic location: 1q41.
Variant type: single nucleotide variant.
Coding change: c.13184A>C on transcript NM_206933.4 (MANE Select); coding-DNA position 13184, A replaced by C.
Protein change: p.Asn4395Thr; replaces asparagine 4395 with threonine.
Molecular consequence: missense variant.
Genome position (GRCh38, 1-based): chr1:215,674,727, T>G on the plus strand (A>C on the coding strand, the complement: USH2A is on the minus strand). VCF-style: chr1-215674727-T-G. GRCh37 (hg19) VCF-style: chr1-215848069-T-G.
Other names: short protein forms N4395T.
Identifiers: ClinVar variation 3331284 (VCV003331284.2).